The following is an entry in ClinVar:

ClinVar aggregate classification (germline): Uncertain significance (1 of 4 stars; one submission).

Conditions:
Bosch-Boonstra-Schaaf optic atrophy syndrome (BBSOAS). Also called: NR2F1-Related Neurodevelopmental Disorder. Identifiers: Orphanet 401777, MedGen C3810363, MONDO:0014320, OMIM 615722.

Submission:

3billion
Classification: Uncertain significance for Bosch-Boonstra-Schaaf optic atrophy syndrome. Last evaluated: 2025-01-03. Review status: criteria provided, single submitter. Criteria: ACMG Guidelines, 2015. Collection method: clinical testing. Allele origin: germline. Affected: yes.
Comment: The variant is not observed in the gnomAD v4.1.0 dataset. Predicted Consequence/Location: The variant is located in a mutational hot spot and/or well-established functional domain in which established pathogenic variants have been reported. In silico tool predictions suggest damaging effect of the variant on gene or gene product [REVEL: 0.90 (>=0.6, sensitivity 0.68 and specificity 0.92); 3Cnet: 0.97 (>=0.6, sensitivity 0.72 and precision 0.9)]. A different missense change at the same codon (p.Val114Leu) has been reported to be associated with NR2F1-related disorder (ClinVar ID: VCV002692412). However the evidence of pathogenicity is insufficient at this time. Therefore, this variant is classified as VUS according to the recommendation of ACMG/AMP guideline.

NM_005654.6(NR2F1):c.341T>C (p.Val114Ala)

Genes: NR2F1 (nuclear receptor subfamily 2 group F member 1; plus strand), NR2F1-AS1 (NR2F1 regulatory antisense RNA 1; minus strand). Cytogenetic location: 5q15.
Variant type: single nucleotide variant.
Coding change: c.341T>C on transcript NM_005654.6 (MANE Select); coding-DNA position 341, T replaced by C.
Protein change: p.Val114Ala; replaces valine 114 with alanine.
Molecular consequence: missense variant. On other transcripts: non-coding transcript variant (4).
Genome position (GRCh38, 1-based): chr5:93,585,364, T>C. VCF-style: chr5-93585364-T-C. GRCh37 (hg19) VCF-style: chr5-92921070-T-C.
Other names: short protein forms V114A.
Identifiers: ClinVar variation 4072273 (VCV004072273.1).
Genomic context (GRCh38, chr5:93,585,364, plus strand): 5'-GCGGCAAGCACTACGGCCAATTCACCTGCGAGGGCTGCAAAAGTTTCTTCAAGAGGAGCG[T>C]CCGCAGGAACTTAACTTACACATGCCGTGCCAACAGGAACTGTCCCATCGACCAGCACCA-3'
Protein context (NP_005645.1, residues 104-124): EGCKSFFKRS[Val114Ala]RRNLTYTCRA